The following is an entry in ClinVar:

ClinVar aggregate classification (germline): Uncertain significance (1 of 4 stars; one submission).

Conditions:
Leigh syndrome (NULS). Also called: Leigh's necrotizing encephalopathy; Leigh's disease; Leigh Syndrome (mtDNA deletion); Leigh Disease; Subacute necrotizing encephalopathy; Necrotizing encephalopathy infantile subacute of Leigh. Identifiers: Orphanet 506, MedGen C2931891, MONDO:0009723, OMIM 256000.

Submission:

Wong Mito Lab, Molecular and Human Genetics, Baylor College of Medicine
Classification: Uncertain significance for Leigh syndrome. Last evaluated: 2019-10-17. Review status: criteria provided, single submitter. Criteria: Modified ACMG Guidelines (Unpublished). Collection method: clinical testing. Allele origin: germline.
Comment: The NC_012920.1:m.3715G>A (YP_003024026.1:p.Ala137Thr) variant in MTND1 gene is interpretated to be a Uncertain Significance variant based on the modified ACMG guidelines (unpublished). This variant meets the following evidence codes: PP7

NC_012920.1(MT-ND1):m.3715G>A

Gene: MT-ND1 (mitochondrially encoded NADH dehydrogenase 1; plus strand).
Variant type: single nucleotide variant.
Genome position: chrM-3715-G-A.
Identifiers: ClinVar variation 692392 (VCV000692392.1), dbSNP rs1603219097, ClinGen allele CA414773360.